The following is an entry in ClinVar:

ClinVar aggregate classification (germline): Uncertain significance. Review status: reviewed by expert panel (3 of 4 stars). 2 submissions from 2 submitters: Uncertain significance (1). 1 of the submissions does not count toward it. Last evaluated 2018-08-10.

Conditions:
Phenylketonuria (PKU). Also called: Phenylketonuria (PKU); FOLLING DISEASE; OLIGOPHRENIA PHENYLPYRUVICA; Phenylketonurias. Identifiers: Orphanet 716, MedGen C0031485, MONDO:0009861, OMIM 261600. Disease mechanism: loss of function.

Submissions (2):

ClinGen PAH Variant Curation Expert Panel
Classification: Uncertain significance for Phenylketonuria. Last evaluated: 2018-08-10. Review status: reviewed by expert panel. Criteria: ClinGen PAH ACMG Specifications v1. Collection method: curation. Allele origin: germline. Inheritance: Autosomal recessive inheritance.
Comment: PAH-specific ACMG/AMP criteria applied: PM2: Absent from ExAC, gnomAD, 1000G, ESP; PP3: Predicted deleterious in SIFT, Polyphen2, MutationTaster. REVEL=0.957; BH4 deficiencies excluded. Upgraded per ClinGen Metabolic workgroup. (PMID:26503515). In summary this variant meets criteria to be classified as uncertain significance for phenylketonuria in an autosomal recessive manner based on the ACMG/AMP criteria applied as specified by the PAH Expert Panel: (PM2, PP3, PP4_Moderate).

Inserm U 954, Faculté de Médecine de Nancy
Classification: Likely pathogenic for Phenylketonuria. Review status: no assertion criteria provided. Collection method: not provided. Allele origin: unknown. Not counted in ClinVar's aggregate classification.
ClinVar note: Converted during submission from probable-pathogenic to Likely pathogenic.

Literature cited by the submitters: PubMed 26503515 (cited by ClinGen PAH Variant Curation Expert Panel).

NM_000277.3(PAH):c.812A>T (p.His271Leu)

Gene: PAH (phenylalanine hydroxylase; minus strand). Cytogenetic location: 12q23.2.
Variant type: single nucleotide variant.
Coding change: c.812A>T on transcript NM_000277.3 (MANE Select); coding-DNA position 812, A replaced by T.
Protein change: p.His271Leu; replaces histidine 271 with leucine.
Molecular consequence: missense variant.
Genome position (GRCh38, 1-based): chr12:102,852,845, T>A on the plus strand (A>T on the coding strand, the complement: PAH is on the minus strand). VCF-style: chr12-102852845-T-A. GRCh37 (hg19) VCF-style: chr12-103246623-T-A.
Other names: NM_000277.2(PAH):c.812A>T; c.812A>T, p.His271Leu (NM_001354304.2); short protein forms H271L.
Identifiers: ClinVar variation 120287 (VCV000120287.3), dbSNP rs199475692, ClinGen allele CA267675.
Genomic context (GRCh38, chr12:102,852,845, plus strand): 5'-GGCAACTGGTAGCTGGAGGACAGTACTCACGGTTCGGGGGTATACATGGGCTTGGATCCA[T>A]GTCTGATGTACTGTGTGCAGTGGAAGACTCGGAAGGCCAGGCCACCCAAGAAATCCCGAG-3'
Protein context (NP_000268.1, residues 261-281): RVFHCTQYIR[His271Leu]GSKPMYTPEP